The following is an entry in ClinVar:

ClinVar aggregate classification (germline): Uncertain significance (1 of 4 stars; one submission).

gnomAD v4.1: 2 of 1,208,311 alleles (0.00017%); highest among the groups gnomAD compares: Non-Finnish European, 0.00022%; no homozygotes.

Submission:

Labcorp Genetics (formerly Invitae), Labcorp
Classification: Uncertain significance. Last evaluated: 2025-02-05. Review status: criteria provided, single submitter. Criteria: Invitae Variant Classification Sherloc (09022015). Collection method: clinical testing. Allele origin: germline.
Comment: This sequence change replaces aspartic acid, which is acidic and polar, with glutamic acid, which is acidic and polar, at codon 1368 of the ZMYM3 protein (p.Asp1368Glu). This variant is present in population databases (rs779280247, gnomAD 0.001%). This variant has not been reported in the literature in individuals affected with ZMYM3-related conditions. An algorithm developed to predict the effect of missense changes on protein structure and function (PolyPhen-2) suggests that this variant is likely to be tolerated. In summary, the available evidence is currently insufficient to determine the role of this variant in disease. Therefore, it has been classified as a Variant of Uncertain Significance.

NM_201599.3(ZMYM3):c.4104C>A (p.Asp1368Glu)

Gene: ZMYM3 (zinc finger MYM-type containing 3; minus strand). Cytogenetic location: Xq13.1.
Variant type: single nucleotide variant.
Coding change: c.4104C>A on transcript NM_201599.3 (MANE Select); coding-DNA position 4104, C replaced by A.
Protein change: p.Asp1368Glu; replaces aspartic acid 1368 with glutamic acid.
Molecular consequence: missense variant.
Genome position (GRCh38, 1-based): chrX:71,240,925, G>T on the plus strand (C>A on the coding strand, the complement: ZMYM3 is on the minus strand). VCF-style: chrX-71240925-G-T. GRCh37 (hg19) VCF-style: chrX-70460775-G-T.
Other names: c.4068C>A, p.Asp1356Glu (NM_001171162.1); c.4104C>A, p.Asp1368Glu (NM_005096.3); short protein forms D1356E, D1368E.
Identifiers: ClinVar variation 4712381 (VCV004712381.1).